The following is an entry in ClinVar:

NM_001363118.2(SLC52A2):c.1259C>T (p.Ala420Val)

Gene: SLC52A2 (solute carrier family 52 member 2; plus strand). Cytogenetic location: 8q24.3.
Variant type: single nucleotide variant.
Coding change: c.1259C>T on transcript NM_001363118.2 (MANE Select); coding-DNA position 1259, C replaced by T.
Protein change: p.Ala420Val; replaces alanine 420 with valine.
Molecular consequence: missense variant. On other transcripts: non-coding transcript variant (1).
Genome position (GRCh38, 1-based): chr8:144,360,936, C>T. VCF-style: chr8-144360936-C-T. GRCh37 (hg19) VCF-style: chr8-145584596-C-T.
Other names: c.1259C>T, p.Ala420Val (NM_001253815.2, NM_001253816.2, NM_001363120.2 and 2 more transcripts); c.767C>T, p.Ala256Val (NM_001363122.2); short protein forms A420V, A256V.
Identifiers: ClinVar variation 518452 (VCV000518452.8), dbSNP rs1554854637, ClinGen allele CA372630237.

ClinVar aggregate classification (germline): Uncertain significance. Review status: criteria provided, multiple submitters, no conflicts (2 of 4 stars). 2 submissions from 2 submitters: Uncertain significance (2). Last evaluated 2022-07-06.

Conditions:
Brown-Vialetto-van Laere syndrome 2. Also called: Riboflavin transporter deficiency type 2; SPINOCEREBELLAR ATAXIA WITH BLINDNESS AND DEAFNESS 2. Identifiers: Orphanet 572543, Orphanet 97229, MedGen C3553538, MONDO:0013867, OMIM 614707.

Allele frequency attached by ClinVar (database versions not stated): gnomAD exomes below 0.00001.
gnomAD v4.1: 5 of 1,613,458 alleles (0.00031%); highest among the groups gnomAD compares: Non-Finnish European, 0.00042%; no homozygotes.

Submissions (2):

Labcorp Genetics (formerly Invitae), Labcorp
Classification: Uncertain significance for Brown-Vialetto-van Laere syndrome 2. Last evaluated: 2022-07-06. Review status: criteria provided, single submitter. Criteria: Invitae Variant Classification Sherloc (09022015). Collection method: clinical testing. Allele origin: germline.
Comment: Advanced modeling of protein sequence and biophysical properties (such as structural, functional, and spatial information, amino acid conservation, physicochemical variation, residue mobility, and thermodynamic stability) performed at Invitae indicates that this missense variant is expected to disrupt SLC52A2 protein function. In summary, the available evidence is currently insufficient to determine the role of this variant in disease. Therefore, it has been classified as a Variant of Uncertain Significance. ClinVar contains an entry for this variant (Variation ID: 518452). This variant has not been reported in the literature in individuals affected with SLC52A2-related conditions. This variant is not present in population databases (gnomAD no frequency). This sequence change replaces alanine, which is neutral and non-polar, with valine, which is neutral and non-polar, at codon 420 of the SLC52A2 protein (p.Ala420Val).

Fulgent Genetics
Classification: Uncertain significance for Brown-Vialetto-van Laere syndrome 2. Last evaluated: 2021-09-27. Review status: criteria provided, single submitter. Criteria: ACMG Guidelines, 2015. Collection method: clinical testing. Allele origin: unknown.